The following is an entry in ClinVar:

ClinVar aggregate classification (germline): Uncertain significance. Review status: criteria provided, multiple submitters, no conflicts (2 of 4 stars). 2 submissions from 2 submitters: Uncertain significance (2). Last evaluated 2026-01-26.

Conditions:
Autosomal dominant nonsyndromic hearing loss 65. Also called: TBC1D24-Related Autosomal Dominant Nonsyndromic Hearing Loss (DFNA); Deafness, autosomal dominant 65. Identifiers: Orphanet 90635, MedGen C3892048, MONDO:0014470, OMIM 616044.
Developmental and epileptic encephalopathy, 1 (DEE1). Also called: OHTAHARA SYNDROME, X-LINKED; INFANTILE SPASM SYNDROME, X-LINKED 1; X-linked infantile spasms; West's syndrome; Tonic spasms with clustering, arrest of psychomotor development and hypsarrhythmia on EEG; X-Linked Infantile Spasm Syndrome. Identifiers: MedGen C3463992, MONDO:0010632, OMIM 308350. Disease mechanism: loss of function.

Allele frequency attached by ClinVar (database versions not stated): ExAC 0.00001.
gnomAD v4.1: 6 of 1,611,762 alleles (0.00037%); highest among the groups gnomAD compares: Admixed American, 0.005%; no homozygotes.

Submissions (2):

Labcorp Genetics (formerly Invitae), Labcorp
Classification: Uncertain significance for Developmental and epileptic encephalopathy, 1; Autosomal dominant nonsyndromic hearing loss 65. Last evaluated: 2026-01-26. Review status: criteria provided, single submitter. Criteria: Invitae Variant Classification Sherloc (09022015). Collection method: clinical testing. Allele origin: germline.
Comment: This sequence change replaces isoleucine, which is neutral and non-polar, with methionine, which is neutral and non-polar, at codon 344 of the TBC1D24 protein (p.Ile344Met). The frequency data for this variant in the population databases is considered unreliable, as metrics indicate poor data quality at this position in the gnomAD database. This variant has not been reported in the literature in individuals affected with TBC1D24-related conditions. ClinVar contains an entry for this variant (Variation ID: 955305). Invitae Evidence Modeling of protein sequence and biophysical properties (such as structural, functional, and spatial information, amino acid conservation, physicochemical variation, residue mobility, and thermodynamic stability) has been performed for this missense variant. However, the output from this modeling did not meet the statistical confidence thresholds required to predict the impact of this variant on TBC1D24 protein function. In summary, the available evidence is currently insufficient to determine the role of this variant in disease. Therefore, it has been classified as a Variant of Uncertain Significance.

Blueprint Genetics
Classification: Uncertain significance. Last evaluated: 2022-06-24. Review status: criteria provided, single submitter. Criteria: ACMG Guidelines, 2015. Collection method: clinical testing. Allele origin: germline.

NM_001199107.2(TBC1D24):c.1032C>G (p.Ile344Met)

Gene: TBC1D24 (TBC1 domain family member 24; plus strand). Cytogenetic location: 16p13.3.
Variant type: single nucleotide variant.
Coding change: c.1032C>G on transcript NM_001199107.2 (MANE Select); coding-DNA position 1032, C replaced by G.
Protein change: p.Ile344Met; replaces isoleucine 344 with methionine.
Molecular consequence: missense variant.
Genome position (GRCh38, 1-based): chr16:2,498,286, C>G. VCF-style: chr16-2498286-C-G. GRCh37 (hg19) VCF-style: chr16-2548287-C-G.
Other names: c.1014C>G, p.Ile338Met (NM_020705.3); short protein forms I338M, I344M.
Identifiers: ClinVar variation 955305 (VCV000955305.11), dbSNP rs769656369, ClinGen allele CA7844139.